The following is an entry in ClinVar:

GRCh38/hg38 9q22.33(chr9:97133376-97242817)x1

Genes: SUGT1P4-STRA6LP-CCDC180 (SUGT1P4-STRA6LP-CCDC180 readthrough; plus strand), LOC124310605 (Sharpr-MPRA regulatory region 737; plus strand), LOC124310606 (Sharpr-MPRA regulatory region 7929; plus strand), LOC130002169 (ATAC-STARR-seq lymphoblastoid active region 28656; plus strand). Cytogenetic location: 9q22.33.
Variant type: copy number loss.
Change: copy number 1 (one copy instead of two) of chr9:97,133,376-97,242,817 (109.4 kb, GRCh38 coordinates, 1-based), cytogenetic band 9q22.33.
Identifiers: ClinVar variation 152044 (VCV000152044.2).

ClinVar aggregate classification (germline): conflicting data from submitters (0 of 4 stars; one submission).

Submission:

ISCA site 1
Classification: conflicting data from submitters. Last evaluated: 2013-01-09. Review status: no assertion criteria provided. Collection method: clinical testing. Allele origin: paternal. Affected: yes. Observed: 2 variant alleles.
Comment: Uncertain significance(1), Likely benign (1)

Copy number variation identified through the course of routine clinical cytogenomic testing in postnatal populations, with clinical assertions as classified by the original submitter. For data from the original published study, Kaminsky, et al. 2011 (PubMed 21844811), please see nstd101.